The following is an entry in ClinVar:

ClinVar aggregate classification (germline): Uncertain significance. Review status: criteria provided, multiple submitters, no conflicts (2 of 4 stars). 2 submissions from 2 submitters: Uncertain significance (2). Last evaluated 2026-07-19.

Conditions:
Inborn genetic diseases. Identifiers: MedGen C0950123, MeSH D030342.

Submissions (2):

GeneDx
Classification: Uncertain significance. Last evaluated: 2026-07-19. Review status: criteria provided, single submitter. Criteria: GeneDx Variant Classification Process June 2021. Collection method: clinical testing. Allele origin: germline.
Comment: In silico analysis supports that this missense variant has a deleterious effect on protein structure/function; Not observed at significant frequency in large population cohorts (gnomAD); Has not been previously published as pathogenic or benign to our knowledge

Ambry Genetics
Classification: Uncertain significance for Inborn genetic diseases. Last evaluated: 2023-10-27. Review status: criteria provided, single submitter. Criteria: Ambry Variant Classification Scheme 2023. Collection method: clinical testing. Allele origin: germline.

NM_000193.4(SHH):c.195G>T (p.Lys65Asn)

Gene: SHH (sonic hedgehog signaling molecule; minus strand). Cytogenetic location: 7q36.3.
Variant type: single nucleotide variant.
Coding change: c.195G>T on transcript NM_000193.4 (MANE Select); coding-DNA position 195, G replaced by T.
Protein change: p.Lys65Asn; replaces lysine 65 with asparagine.
Molecular consequence: missense variant.
Genome position (GRCh38, 1-based): chr7:155,811,928, C>A on the plus strand (G>T on the coding strand, the complement: SHH is on the minus strand). VCF-style: chr7-155811928-C-A. GRCh37 (hg19) VCF-style: chr7-155604622-C-A.
Other names: short protein forms K65N.
Identifiers: ClinVar variation 2663007 (VCV002663007.3), dbSNP rs2535910433, ClinGen allele CA370151606.